The following is an entry in ClinVar:

ClinVar aggregate classification (germline): Uncertain significance (1 of 4 stars; one submission).

Conditions:
Cardiomyopathy (CMYO). Also called: Cardiomyopathies. Identifiers: Orphanet 167848, MedGen C0878544, MONDO:0004994, HP:0001638. Inheritance: Various modes of inheritance.

Submission:

Color Diagnostics, LLC DBA Color Health
Classification: Uncertain significance for Cardiomyopathy. Last evaluated: 2022-12-13. Review status: criteria provided, single submitter. Criteria: ACMG Guidelines, 2015. Collection method: clinical testing. Allele origin: germline.
Comment: This variant deletes 1 nucleotide in exon 9 of the TMEM43 gene, creating a frameshift and premature translation stop signal. This variant is expected to result in an absent or non-functional protein product. To our knowledge, this variant has not been reported in individuals affected with TMEM43-related disorders in the literature. This variant has not been identified in the general population by the Genome Aggregation Database (gnomAD). Clinical relevance of loss-of-function truncation and splice variants in the TMEM43 gene is not clearly established. The available evidence is insufficient to determine the role of this variant in disease conclusively. Therefore, this variant is classified as a Variant of Uncertain Significance.

NM_024334.3(TMEM43):c.732del (p.Tyr245fs)

Gene: TMEM43 (transmembrane protein 43; plus strand). Cytogenetic location: 3p25.1.
Variant type: Deletion.
Coding change: c.732del on transcript NM_024334.3 (MANE Select); coding-DNA position 732, one base deleted (C; older notation c.732delC).
Protein change: p.Tyr245fs; shifts the reading frame from tyrosine 245.
Molecular consequence: frameshift variant. On other transcripts: intron variant (1).
Genome position (GRCh38, 1-based): chr3:14,135,184, C deleted; the last of 2 consecutive C bases (chr3:14,135,183-14,135,184); deleting either gives the same sequence. VCF-style (leftmost placement, unchanged base first): chr3-14135182-TC-T. GRCh37 (hg19) VCF-style: chr3-14176682-TC-T.
Other names: c.735del, p.Tyr246fs (NM_001407274.1); c.732del, p.Tyr245fs (NM_001407275.1, NM_001407276.1, NM_001407277.1); c.717del, p.Tyr240fs (NM_001407278.1); c.582del, p.Tyr195fs (NM_001407280.1); c.705+293del (NM_001407279.1); short protein forms Y195fs, Y240fs, Y245fs, Y246fs.
Identifiers: ClinVar variation 2774603 (VCV002774603.2), dbSNP rs2470189252, ClinGen allele CA2577516523.